The following is an entry in ClinVar:

ClinVar aggregate classification (germline): Conflicting classifications of pathogenicity. Review status: criteria provided, conflicting classifications (1 of 4 stars). 3 submissions from 3 submitters: Uncertain significance (1); Benign (1); Likely benign (1). Last evaluated 2025-05-03.

Conditions:
Cardiovascular phenotype. Identifiers: MedGen CN230736.
SOS1-related disorder. Also called: SOS1-related condition.
RASopathy. Also called: rasopathies; Noonan spectrum disorder. Identifiers: Orphanet 536391, MedGen C5555857, MONDO:0021060.

Allele frequency attached by ClinVar (database versions not stated): gnomAD exomes below 0.00001 and 0.00001; ExAC 0.00001; gnomAD 0.00004; TOPMed 0.00004.
gnomAD v4.1: 9 of 1,608,308 alleles (0.00056%); highest among the groups gnomAD compares: African/African-American, 0.0094%; no homozygotes.

Submissions (3):

Ambry Genetics
Classification: Likely benign for Cardiovascular phenotype. Last evaluated: 2025-05-03. Review status: criteria provided, single submitter. Criteria: Ambry Variant Classification Scheme 2023. Collection method: clinical testing. Allele origin: germline.

Labcorp Genetics (formerly Invitae), Labcorp
Classification: Benign for RASopathy. Last evaluated: 2024-10-24. Review status: criteria provided, single submitter. Criteria: Invitae Variant Classification Sherloc (09022015). Collection method: clinical testing. Allele origin: germline.

PreventionGenetics, part of Exact Sciences
Classification: Uncertain significance for SOS1-related condition. Last evaluated: 2023-05-16. Review status: criteria provided, single submitter. Criteria: ACMG Guidelines, 2015. Collection method: clinical testing. Allele origin: germline.
Comment: The SOS1 c.2953T>G variant is predicted to result in the amino acid substitution p.Ser985Ala. To our knowledge, this variant has not been reported in the literature. This variant is reported in 0.0062% of alleles in individuals of African descent in gnomAD. At this time, the clinical significance of this variant is uncertain due to the absence of conclusive functional and genetic evidence.

NM_005633.4(SOS1):c.2953T>G (p.Ser985Ala)

Gene: SOS1 (SOS Ras/Rac guanine nucleotide exchange factor 1; minus strand). Cytogenetic location: 2p22.1.
Variant type: single nucleotide variant.
Coding change: c.2953T>G on transcript NM_005633.4 (MANE Select); coding-DNA position 2953, T replaced by G.
Protein change: p.Ser985Ala; replaces serine 985 with alanine.
Molecular consequence: missense variant.
Genome position (GRCh38, 1-based): chr2:38,997,264, A>C on the plus strand (T>G on the coding strand, the complement: SOS1 is on the minus strand). VCF-style: chr2-38997264-A-C. GRCh37 (hg19) VCF-style: chr2-39224405-A-C.
Other names: c.2932T>G, p.Ser978Ala (NM_001382394.1); c.2953T>G, p.Ser985Ala (NM_001382395.1); c.2953T>G (NM_005633.3); short protein forms S985A, S978A.
Identifiers: ClinVar variation 1441845 (VCV001441845.13), dbSNP rs754676663, ClinGen allele CA1624305.